The following is an entry in ClinVar:

NM_033056.4(PCDH15):c.5087del (p.Cys1696fs)

Gene: PCDH15 (protocadherin related 15; minus strand). Cytogenetic location: 10q21.1.
Variant type: Deletion.
Coding change: c.5087del on transcript NM_033056.4 (MANE Plus Clinical); coding-DNA position 5087, one base deleted (G; older notation c.5087delG).
Protein change: p.Cys1696fs; shifts the reading frame from cysteine 1696.
Molecular consequence: frameshift variant. On other transcripts: intron variant (8).
Genome position (GRCh38, 1-based): chr10:53,822,639, C deleted on the plus strand (G on the coding strand, the reverse complement: PCDH15 is on the minus strand). VCF-style (leftmost placement, unchanged base first): chr10-53822638-AC-A. GRCh37 (hg19) VCF-style: chr10-55582398-AC-A.
Other names: c.5108del, p.Cys1703fs (NM_001142763.2); c.5093del, p.Cys1698fs (NM_001142764.2); c.4880del, p.Cys1627fs (NM_001142765.2); c.5078del, p.Cys1693fs (NM_001142766.2); c.4967del, p.Cys1656fs (NM_001142767.2); c.5027del, p.Cys1676fs (NM_001142768.2); c.5018del, p.Cys1673fs (NM_001142773.2); c.5021del, p.Cys1674fs (NM_001354404.2); and 8 more; short protein forms C1627fs, C1656fs, C1673fs, C1674fs, C1676fs, C1693fs, C1696fs, C1698fs.
Identifiers: ClinVar variation 4845719 (VCV004845719.1).
Genomic context (GRCh38, chr10:53,822,638, plus strand): 5'-CTCTCTCCTAGAGAGTGAAGAATGTAAAACACAAGGCCTTGAAGGAGAAAGTTCCAAGGA[AC>A]ACTCAGCAGGAGAACTGATGACATTAGGTTCTGATTTGAGTTCCACAGTTCTTGAAACAG-3'

ClinVar aggregate classification (germline): Likely pathogenic (1 of 4 stars; one submission).

Conditions:
Autosomal recessive nonsyndromic hearing loss 23. Identifiers: Orphanet 90636, MedGen C1836027, MONDO:0012293, OMIM 609533.
Usher syndrome type 1F (USH1F). Also called: USHER SYNDROME, TYPE IF. Identifiers: Orphanet 231169, Orphanet 886, MedGen C1865885, MONDO:0011186, OMIM 602083.

Submission:

First Genomix Gene Laboratory, Genetic Diagnostics Department
Classification: Likely pathogenic for Autosomal recessive nonsyndromic hearing loss 23; Usher syndrome type 1F. Last evaluated: 2025-01-20. Review status: criteria provided, single submitter. Criteria: ACMG Guidelines, 2015. Collection method: clinical testing. Allele origin: germline. Inheritance: Autosomal recessive inheritance. Affected: no. Observed: 1 variant allele.